The following is an entry in ClinVar:

ClinVar aggregate classification (germline): Uncertain significance (1 of 4 stars; one submission).

Allele frequency attached by ClinVar (database versions not stated): ExAC 0.00002.
gnomAD v4.1: 5 of 1,614,004 alleles (0.00031%); highest among the groups gnomAD compares: Non-Finnish European, 0.00042%; no homozygotes.

Submission:

Labcorp Genetics (formerly Invitae), Labcorp
Classification: Uncertain significance. Last evaluated: 2022-07-12. Review status: criteria provided, single submitter. Criteria: Invitae Variant Classification Sherloc (09022015). Collection method: clinical testing. Allele origin: germline.
Comment: This sequence change replaces lysine, which is basic and polar, with asparagine, which is neutral and polar, at codon 258 of the CEP152 protein (p.Lys258Asn). This variant is present in population databases (rs778778690, gnomAD 0.0009%). This variant has not been reported in the literature in individuals affected with CEP152-related conditions. Algorithms developed to predict the effect of missense changes on protein structure and function are either unavailable or do not agree on the potential impact of this missense change (SIFT: "Tolerated"; PolyPhen-2: "Possibly Damaging"; Align-GVGD: "Class C0"). In summary, the available evidence is currently insufficient to determine the role of this variant in disease. Therefore, it has been classified as a Variant of Uncertain Significance.

NM_001194998.2(CEP152):c.774G>T (p.Lys258Asn)

Gene: CEP152 (centrosomal protein 152; minus strand). Cytogenetic location: 15q21.1.
Variant type: single nucleotide variant.
Coding change: c.774G>T on transcript NM_001194998.2 (MANE Select); coding-DNA position 774, G replaced by T.
Protein change: p.Lys258Asn; replaces lysine 258 with asparagine.
Molecular consequence: missense variant.
Genome position (GRCh38, 1-based): chr15:48,793,379, C>A on the plus strand (G>T on the coding strand, the complement: CEP152 is on the minus strand). VCF-style: chr15-48793379-C-A. GRCh37 (hg19) VCF-style: chr15-49085576-C-A.
Other names: c.774G>T, p.Lys258Asn (NM_014985.4); short protein forms K258N.
Identifiers: ClinVar variation 1925910 (VCV001925910.2), dbSNP rs778778690, ClinGen allele CA7549036.